The following is an entry in ClinVar:

ClinVar aggregate classification (germline): Uncertain significance. Review status: criteria provided, multiple submitters, no conflicts (2 of 4 stars). 3 submissions from 3 submitters: Uncertain significance (3). Last evaluated 2022-07-08.

Conditions:
Inborn genetic diseases. Identifiers: MedGen C0950123, MeSH D030342.
Charcot-Marie-Tooth disease recessive intermediate C. Also called: CHARCOT-MARIE-TOOTH NEUROPATHY, RECESSIVE INTERMEDIATE C. Identifiers: Orphanet 369867, MedGen C3809309, MONDO:0014154, OMIM 615376.
Neuronopathy, distal hereditary motor, autosomal recessive 4. Also called: Autosomal recessive lower motor neuron disease with childhood onset; NEUROPATHY, DISTAL HEREDITARY MOTOR, AUTOSOMAL RECESSIVE 4. Identifiers: Orphanet 206580, MedGen C1970211, MONDO:0012608, OMIM 611067.

Allele frequency attached by ClinVar (database versions not stated): gnomAD exomes 0.00001.
gnomAD v4.1: 17 of 1,613,962 alleles (0.0011%); highest among the groups gnomAD compares: African/African-American, 0.0027%; no homozygotes.

Submissions (3):

Ambry Genetics
Classification: Uncertain significance for Inborn genetic diseases. Last evaluated: 2022-07-08. Review status: criteria provided, single submitter. Criteria: Ambry Variant Classification Scheme 2023. Collection method: clinical testing. Allele origin: germline.
Comment: The p.G284R variant (also known as c.850G>A), located in coding exon 8 of the PLEKHG5 gene, results from a G to A substitution at nucleotide position 850. The glycine at codon 284 is replaced by arginine, an amino acid with dissimilar properties. This amino acid position is conserved. In addition, this alteration is predicted to be deleterious by in silico analysis. Since supporting evidence is limited at this time, the clinical significance of this alteration remains unclear.

Mayo Clinic Laboratories, Mayo Clinic
Classification: Uncertain significance. Last evaluated: 2022-04-01. Review status: criteria provided, single submitter. Criteria: ACMG Guidelines, 2015. Collection method: clinical testing. Allele origin: germline. Observed: 1 variant allele.
Comment: PP3, PM2

Labcorp Genetics (formerly Invitae), Labcorp
Classification: Uncertain significance for Neuronopathy, distal hereditary motor, autosomal recessive 4; Charcot-Marie-Tooth disease recessive intermediate C. Last evaluated: 2021-08-31. Review status: criteria provided, single submitter. Criteria: Invitae Variant Classification Sherloc (09022015). Collection method: clinical testing. Allele origin: germline.
Comment: This sequence change replaces glycine with arginine at codon 284 of the PLEKHG5 protein (p.Gly284Arg). The glycine residue is highly conserved and there is a moderate physicochemical difference between glycine and arginine. This variant is not present in population databases (ExAC no frequency). This variant has not been reported in the literature in individuals affected with PLEKHG5-related conditions. Algorithms developed to predict the effect of missense changes on protein structure and function are either unavailable or do not agree on the potential impact of this missense change (SIFT: "Deleterious"; PolyPhen-2: "Probably Damaging"; Align-GVGD: "Class C15"). In summary, the available evidence is currently insufficient to determine the role of this variant in disease. Therefore, it has been classified as a Variant of Uncertain Significance.

NM_020631.6(PLEKHG5):c.850G>A (p.Gly284Arg)

Gene: PLEKHG5 (pleckstrin homology and RhoGEF domain containing G5; minus strand). Cytogenetic location: 1p36.31.
Variant type: single nucleotide variant.
Coding change: c.850G>A on transcript NM_020631.6 (MANE Select); coding-DNA position 850, G replaced by A.
Protein change: p.Gly284Arg; replaces glycine 284 with arginine.
Molecular consequence: missense variant.
Genome position (GRCh38, 1-based): chr1:6,473,120, C>T on the plus strand (G>A on the coding strand, the complement: PLEKHG5 is on the minus strand). VCF-style: chr1-6473120-C-T. GRCh37 (hg19) VCF-style: chr1-6533180-C-T.
Other names: p.Gly361Arg; c.961G>A, p.Gly321Arg (NM_001042663.3, NM_001265592.2); c.850G>A, p.Gly284Arg (NM_001042664.2, NM_001042665.2, NM_001265594.3 and 1 more transcripts); c.1057G>A, p.Gly353Arg (NM_001265593.2); c.1081G>A (NM_198681.3); short protein forms G284R, G321R, G353R.
Identifiers: ClinVar variation 1499000 (VCV001499000.8), dbSNP rs569434019, ClinGen allele CA17241935.